The following is an entry in ClinVar:

NM_014974.3(DIP2C):c.2321G>A (p.Arg774Lys)

Genes: DIP2C (DIP2 acetate--CoA ligase C (putative); minus strand), LOC126860806 (MED14-independent group 3 enhancer GRCh37_chr10:409736-410935; plus strand). Cytogenetic location: 10p15.3.
Variant type: single nucleotide variant.
Coding change: c.2321G>A on transcript NM_014974.3 (MANE Select); coding-DNA position 2321, G replaced by A.
Protein change: p.Arg774Lys; replaces arginine 774 with lysine.
Molecular consequence: missense variant.
Genome position (GRCh38, 1-based): chr10:364,530, C>T on the plus strand (G>A on the coding strand, the complement: DIP2C is on the minus strand). VCF-style: chr10-364530-C-T. GRCh37 (hg19) VCF-style: chr10-410470-C-T.
Other names: short protein forms R774K.
Identifiers: ClinVar variation 2305885 (VCV002305885.5), dbSNP rs370317363, ClinGen allele CA5380469.

ClinVar aggregate classification (germline): Uncertain significance. Review status: criteria provided, multiple submitters, no conflicts (2 of 4 stars). 2 submissions from 2 submitters: Uncertain significance (2). Last evaluated 2023-05-26.

Conditions:
Inborn genetic diseases. Identifiers: MedGen C0950123, MeSH D030342.

Allele frequency attached by ClinVar (database versions not stated): ExAC 0.00002; gnomAD 0.00002; gnomAD exomes 0.00003; TOPMed 0.00003; ESP Exome Variant Server 0.00008.
gnomAD v4.1: 43 of 1,614,054 alleles (0.0027%); highest among the groups gnomAD compares: Non-Finnish European, 0.0036%; no homozygotes.

Submissions (2):

Labcorp Genetics (formerly Invitae), Labcorp
Classification: Uncertain significance. Last evaluated: 2023-05-26. Review status: criteria provided, single submitter. Criteria: Invitae Variant Classification Sherloc (09022015). Collection method: clinical testing. Allele origin: germline.
Comment: In summary, the available evidence is currently insufficient to determine the role of this variant in disease. Therefore, it has been classified as a Variant of Uncertain Significance. An algorithm developed to predict the effect of missense changes on protein structure and function (PolyPhen-2) suggests that this variant is likely to be disruptive. ClinVar contains an entry for this variant (Variation ID: 2305885). This variant has not been reported in the literature in individuals affected with DIP2C-related conditions. This variant is present in population databases (rs370317363, gnomAD 0.005%). This sequence change replaces arginine, which is basic and polar, with lysine, which is basic and polar, at codon 774 of the DIP2C protein (p.Arg774Lys).

Ambry Genetics
Classification: Uncertain significance for Inborn genetic diseases. Last evaluated: 2022-08-08. Review status: criteria provided, single submitter. Criteria: Ambry Variant Classification Scheme 2023. Collection method: clinical testing. Allele origin: germline.